The following is an entry in ClinVar:

ClinVar aggregate classification (germline): Uncertain significance. Review status: criteria provided, multiple submitters, no conflicts (2 of 4 stars). 2 submissions from 2 submitters: Uncertain significance (2). Last evaluated 2025-06-09.

Allele frequency attached by ClinVar (database versions not stated): gnomAD 0.00001; TOPMed 0.00001; gnomAD exomes 0.00001; ExAC 0.00001.
gnomAD v4.1: 7 of 1,614,076 alleles (0.00043%); highest among the groups gnomAD compares: East Asian, 0.013%; no homozygotes.

Submissions (2):

Labcorp Genetics (formerly Invitae), Labcorp
Classification: Uncertain significance. Last evaluated: 2025-06-09. Review status: criteria provided, single submitter. Criteria: Invitae Variant Classification Sherloc (09022015). Collection method: clinical testing. Allele origin: germline.
Comment: This sequence change replaces serine, which is neutral and polar, with phenylalanine, which is neutral and non-polar, at codon 62 of the MGME1 protein (p.Ser62Phe). This variant is present in population databases (rs766909960, gnomAD 0.01%). This variant has not been reported in the literature in individuals affected with MGME1-related conditions. ClinVar contains an entry for this variant (Variation ID: 2016368). Invitae Evidence Modeling of protein sequence and biophysical properties (such as structural, functional, and spatial information, amino acid conservation, physicochemical variation, residue mobility, and thermodynamic stability) indicates that this missense variant is not expected to disrupt MGME1 protein function with a negative predictive value of 80%. In summary, the available evidence is currently insufficient to determine the role of this variant in disease. Therefore, it has been classified as a Variant of Uncertain Significance.

GeneDx
Classification: Uncertain significance. Last evaluated: 2023-01-05. Review status: criteria provided, single submitter. Criteria: GeneDx Variant Classification Process June 2021. Collection method: clinical testing. Allele origin: germline. Affected: yes.
Comment: Not observed at significant frequency in large population cohorts (gnomAD); In silico analysis supports that this missense variant does not alter protein structure/function; Has not been previously published as pathogenic or benign to our knowledge

NM_052865.4(MGME1):c.185C>T (p.Ser62Phe)

Genes: MGME1 (mitochondrial genome maintenance exonuclease 1; plus strand), LOC126862983 (CDK7 strongly-dependent group 2 enhancer GRCh37_chr20:17950167-17951366; plus strand). Cytogenetic location: 20p11.23.
Variant type: single nucleotide variant.
Coding change: c.185C>T on transcript NM_052865.4 (MANE Select); coding-DNA position 185, C replaced by T.
Protein change: p.Ser62Phe; replaces serine 62 with phenylalanine.
Molecular consequence: missense variant.
Genome position (GRCh38, 1-based): chr20:17,970,044, C>T. VCF-style: chr20-17970044-C-T. GRCh37 (hg19) VCF-style: chr20-17950687-C-T.
Other names: c.185C>T (NM_052865.2); c.185C>T, p.Ser62Phe (NM_001310338.2, NM_001310339.2, NM_001363738.2); short protein forms S62F.
Identifiers: ClinVar variation 2016368 (VCV002016368.4), dbSNP rs766909960, ClinGen allele CA9774894.